The following is an entry in ClinVar:

NM_015087.5(SPART):c.1154G>A (p.Arg385His)

Gene: SPART (spartin; minus strand). Cytogenetic location: 13q13.3.
Variant type: single nucleotide variant.
Coding change: c.1154G>A on transcript NM_015087.5 (MANE Select); coding-DNA position 1154, G replaced by A.
Protein change: p.Arg385His; replaces arginine 385 with histidine.
Molecular consequence: missense variant.
Genome position (GRCh38, 1-based): chr13:36,329,372, C>T on the plus strand (G>A on the coding strand, the complement: SPART is on the minus strand). VCF-style: chr13-36329372-C-T. GRCh37 (hg19) VCF-style: chr13-36903509-C-T.
Other names: c.1154G>A, p.Arg385His (NM_001142294.2, NM_001142295.2, NM_001142296.2); short protein forms R385H.
Identifiers: ClinVar variation 1411560 (VCV001411560.6), dbSNP rs777655586, ClinGen allele CA6949482.
Genomic context (GRCh38, chr13:36,329,372, plus strand): 5'-GAAAGGTACCATTAGAAGACAACACACACACTTATTACTCTTTTATTTACCCTTTTTCCA[C>T]GTTTTCCTTTATGACGTACATCCTTATTGCCTTGGTCCAACTGTTTCACATCAGTGCCAG-3'
Protein context (NP_055902.1, residues 375-395): GNKDVRHKGK[Arg385His]GKRAKDTSSE

ClinVar aggregate classification (germline): Uncertain significance (1 of 4 stars; one submission).

Allele frequency attached by ClinVar (database versions not stated): ExAC 0.00001; gnomAD 0.00001; TOPMed 0.00001; gnomAD exomes 0.00002.
gnomAD v4.1: 35 of 1,613,938 alleles (0.0022%); highest among the groups gnomAD compares: South Asian, 0.021%; no homozygotes.

Submission:

Labcorp Genetics (formerly Invitae), Labcorp
Classification: Uncertain significance. Last evaluated: 2022-08-09. Review status: criteria provided, single submitter. Criteria: Invitae Variant Classification Sherloc (09022015). Collection method: clinical testing. Allele origin: germline.
Comment: In summary, the available evidence is currently insufficient to determine the role of this variant in disease. Therefore, it has been classified as a Variant of Uncertain Significance. Algorithms developed to predict the effect of missense changes on protein structure and function output the following: SIFT: "Deleterious"; PolyPhen-2: "Benign"; Align-GVGD: "Class C0". The histidine amino acid residue is found in multiple mammalian species, which suggests that this missense change does not adversely affect protein function. ClinVar contains an entry for this variant (Variation ID: 1411560). This variant has not been reported in the literature in individuals affected with SPART-related conditions. This variant is present in population databases (rs777655586, gnomAD 0.01%). This sequence change replaces arginine, which is basic and polar, with histidine, which is basic and polar, at codon 385 of the SPART protein (p.Arg385His).